The following is an entry in ClinVar:

ClinVar aggregate classification (germline): Uncertain significance (1 of 4 stars; one submission).

Allele frequency attached by ClinVar (database versions not stated): gnomAD exomes 0.00001; gnomAD 0.00003; TOPMed 0.00003; ExAC 0.00004; ESP Exome Variant Server 0.00008; 1000 Genomes Project 30x 0.00031; 1000 Genomes Project 0.00040.
gnomAD v4.1: 6 of 1,613,244 alleles (0.00037%); highest among the groups gnomAD compares: African/African-American, 0.008%; no homozygotes.

Submission:

Labcorp Genetics (formerly Invitae), Labcorp
Classification: Uncertain significance. Last evaluated: 2022-02-03. Review status: criteria provided, single submitter. Criteria: Invitae Variant Classification Sherloc (09022015). Collection method: clinical testing. Allele origin: germline.
Comment: Algorithms developed to predict the effect of missense changes on protein structure and function (SIFT, PolyPhen-2, Align-GVGD) all suggest that this variant is likely to be disruptive. In summary, the available evidence is currently insufficient to determine the role of this variant in disease. Therefore, it has been classified as a Variant of Uncertain Significance. ClinVar contains an entry for this variant (Variation ID: 1063144). This variant has not been reported in the literature in individuals affected with CACNA2D4-related conditions. This variant is present in population databases (rs200395562, gnomAD 0.01%). This sequence change replaces asparagine, which is neutral and polar, with serine, which is neutral and polar, at codon 419 of the CACNA2D4 protein (p.Asn419Ser).

NM_172364.5(CACNA2D4):c.1256A>G (p.Asn419Ser)

Gene: CACNA2D4 (calcium voltage-gated channel auxiliary subunit alpha2delta 4; minus strand). Cytogenetic location: 12p13.33.
Variant type: single nucleotide variant.
Coding change: c.1256A>G on transcript NM_172364.5 (MANE Select); coding-DNA position 1256, A replaced by G.
Protein change: p.Asn419Ser; replaces asparagine 419 with serine.
Molecular consequence: missense variant.
Genome position (GRCh38, 1-based): chr12:1,884,784, T>C on the plus strand (A>G on the coding strand, the complement: CACNA2D4 is on the minus strand). VCF-style: chr12-1884784-T-C. GRCh37 (hg19) VCF-style: chr12-1993950-T-C.
Other names: short protein forms N419S.
Identifiers: ClinVar variation 1063144 (VCV001063144.9), dbSNP rs200395562, ClinGen allele CA6387212.